The following is an entry in ClinVar:

NM_004629.2(FANCG):c.1389G>C (p.Trp463Cys)

Gene: FANCG (FA complementation group G; minus strand). Cytogenetic location: 9p13.3.
Variant type: single nucleotide variant.
Coding change: c.1389G>C on transcript NM_004629.2 (MANE Select); coding-DNA position 1389, G replaced by C.
Protein change: p.Trp463Cys; replaces tryptophan 463 with cysteine.
Molecular consequence: missense variant.
Genome position (GRCh38, 1-based): chr9:35,075,509, C>G on the plus strand (G>C on the coding strand, the complement: FANCG is on the minus strand). VCF-style: chr9-35075509-C-G. GRCh37 (hg19) VCF-style: chr9-35075506-C-G.
Other names: short protein forms W463C.
Identifiers: ClinVar variation 4870981 (VCV004870981.1).

ClinVar aggregate classification (germline): Uncertain significance (1 of 4 stars; one submission).

Conditions:
Inborn genetic diseases. Identifiers: MedGen C0950123, MeSH D030342.

Submission:

Ambry Genetics
Classification: Uncertain significance for Inborn genetic diseases. Last evaluated: 2026-03-30. Review status: criteria provided, single submitter. Criteria: Ambry Variant Classification Scheme 2023. Collection method: clinical testing. Allele origin: germline.
Comment: The p.W463C variant (also known as c.1389G>C), located in coding exon 10 of the FANCG gene, results from a G to C substitution at nucleotide position 1389. The tryptophan at codon 463 is replaced by cysteine, an amino acid with highly dissimilar properties. This amino acid position is conserved. In addition, this alteration is predicted to be tolerated by in silico analysis. Based on the available evidence, the clinical significance of this variant remains unclear.